The following is an entry in ClinVar:

ClinVar aggregate classification (germline): Uncertain significance (1 of 4 stars; one submission).

Allele frequency attached by ClinVar (database versions not stated): gnomAD exomes below 0.00001; ExAC 0.00001.
gnomAD v4.1: 2 of 1,614,130 alleles (0.00012%); highest among the groups gnomAD compares: Admixed American, 0.0017%; no homozygotes.

Submission:

Labcorp Genetics (formerly Invitae), Labcorp
Classification: Uncertain significance. Last evaluated: 2023-06-20. Review status: criteria provided, single submitter. Criteria: Invitae Variant Classification Sherloc (09022015). Collection method: clinical testing. Allele origin: germline.
Comment: This variant has not been reported in the literature in individuals affected with FAT2-related conditions. This variant is present in population databases (rs761682057, gnomAD 0.003%). This sequence change replaces glycine, which is neutral and non-polar, with aspartic acid, which is acidic and polar, at codon 3091 of the FAT2 protein (p.Gly3091Asp). An algorithm developed to predict the effect of missense changes on protein structure and function (PolyPhen-2) suggests that this variant is likely to be disruptive. In summary, the available evidence is currently insufficient to determine the role of this variant in disease. Therefore, it has been classified as a Variant of Uncertain Significance.

NM_001447.3(FAT2):c.9272G>A (p.Gly3091Asp)

Genes: FAT2 (FAT atypical cadherin 2; minus strand), SLC36A1 (solute carrier family 36 member 1; plus strand). Cytogenetic location: 5q33.1.
Variant type: single nucleotide variant.
Coding change: c.9272G>A on transcript NM_001447.3 (MANE Select); coding-DNA position 9272, G replaced by A.
Protein change: p.Gly3091Asp; replaces glycine 3091 with aspartic acid.
Molecular consequence: missense variant.
Genome position (GRCh38, 1-based): chr5:151,534,564, C>T on the plus strand (G>A on the coding strand, the complement: FAT2 is on the minus strand). VCF-style: chr5-151534564-C-T. GRCh37 (hg19) VCF-style: chr5-150914125-C-T.
Other names: short protein forms G3091D.
Identifiers: ClinVar variation 2719929 (VCV002719929.3), dbSNP rs761682057, ClinGen allele CA3520604.
Genomic context (GRCh38, chr5:151,534,564, plus strand): 5'-GGGGCATTGTCATTCACATCCTCCACATGGAGGGTGATGTCTGCCTGGCACGATCGGCCA[C>T]CTCCATCCGTCGCCTTGGCAACAAGGTTGAACACATCCTTCCTTTCTCGGTCTAGGGCAG-3'
Protein context (NP_001438.1, residues 3081-3101): FNLVAKATDG[Gly3091Asp]GRSCQADITL